The following is an entry in ClinVar:

ClinVar aggregate classification (germline): Uncertain significance (1 of 4 stars; one submission).

Conditions:
Werner syndrome (WRN). Identifiers: Orphanet 902, MedGen C0043119, MONDO:0010196, OMIM 277700.

Submission:

Labcorp Genetics (formerly Invitae), Labcorp
Classification: Uncertain significance for Werner syndrome. Last evaluated: 2025-05-21. Review status: criteria provided, single submitter. Criteria: Invitae Variant Classification Sherloc (09022015). Collection method: clinical testing. Allele origin: germline.
Comment: This sequence change replaces alanine, which is neutral and non-polar, with valine, which is neutral and non-polar, at codon 1147 of the WRN protein (p.Ala1147Val). This variant is not present in population databases (gnomAD no frequency). This variant has not been reported in the literature in individuals affected with WRN-related conditions. ClinVar contains an entry for this variant (Variation ID: 1395132). An algorithm developed to predict the effect of missense changes on protein structure and function (PolyPhen-2) suggests that this variant is likely to be tolerated. In summary, the available evidence is currently insufficient to determine the role of this variant in disease. Therefore, it has been classified as a Variant of Uncertain Significance.

NM_000553.6(WRN):c.3440C>T (p.Ala1147Val)

Gene: WRN (WRN RecQ like helicase; plus strand). Cytogenetic location: 8p12.
Variant type: single nucleotide variant.
Coding change: c.3440C>T on transcript NM_000553.6 (MANE Select); coding-DNA position 3440, C replaced by T.
Protein change: p.Ala1147Val; replaces alanine 1147 with valine.
Molecular consequence: missense variant.
Genome position (GRCh38, 1-based): chr8:31,147,109, C>T. VCF-style: chr8-31147109-C-T. GRCh37 (hg19) VCF-style: chr8-31004625-C-T.
Other names: short protein forms A1147V.
Identifiers: ClinVar variation 1395132 (VCV001395132.8), dbSNP rs1802887070, ClinGen allele CA370925454.